The following is an entry in ClinVar:

NM_170707.4(LMNA):c.1969-1G>T

Gene: LMNA (lamin A/C; plus strand). Cytogenetic location: 1q22.
Variant type: single nucleotide variant.
Coding change: c.1969-1G>T on transcript NM_170707.4 (MANE Select); the canonical splice acceptor site of the intron before coding-DNA position 1969, G replaced by T.
Molecular consequence: splice acceptor variant.
Genome position (GRCh38, 1-based): chr1:156,139,079, G>T. VCF-style: chr1-156139079-G-T. GRCh37 (hg19) VCF-style: chr1-156108870-G-T.
Other names: c.1969-1G>T (NM_001406983.1, NM_001406991.1, NM_001406985.1); c.1411-1G>T (NM_001406993.1, NM_001406995.1, NM_001406990.1 and 2 more transcripts); c.1345-1G>T (NM_001406999.1, NM_001407000.1, NM_001406994.1 and 1 more transcripts); c.1726-1G>T (NM_001406986.1, NM_001406987.1); c.1819-1G>T (NM_001282626.2); c.1879-1G>T (NM_170708.4); c.1633-1G>T (NM_001406989.1, NM_001257374.3); c.1672-1G>T (NM_001406988.1).
Identifiers: ClinVar variation 403042 (VCV000403042.19), dbSNP rs1060499873, ClinGen allele CA16609708.

ClinVar aggregate classification (germline): Uncertain significance. Review status: criteria provided, multiple submitters, no conflicts (2 of 4 stars). 5 submissions from 5 submitters: Uncertain significance (5). Last evaluated 2026-09-15.

Conditions:
Cardiomyopathy (CMYO). Also called: Cardiomyopathies. Identifiers: Orphanet 167848, MedGen C0878544, MONDO:0004994, HP:0001638. Inheritance: Various modes of inheritance.
Primary dilated cardiomyopathy (DCM). Also called: Dilated Cardiomyopathy. Identifiers: Orphanet 217604, MedGen C0007193, MeSH D002311, MONDO:0005021, HP:0001644. Inheritance: Various modes of inheritance.
Charcot-Marie-Tooth disease type 2. Also called: Charcot-Marie-Tooth type 2. Identifiers: Orphanet 64746, MedGen C0270914, MONDO:0018993.

Allele frequency attached by ClinVar (database versions not stated): TOPMed below 0.00001.
gnomAD v4.1: 4 of 1,613,864 alleles (0.00025%); highest among the groups gnomAD compares: Non-Finnish European, 0.00034%; no homozygotes.

Submissions (5):

GeneDx
Classification: Uncertain significance. Last evaluated: 2026-09-15. Review status: criteria provided, single submitter. Criteria: GeneDx Variant Classification Process June 2021. Collection method: clinical testing. Allele origin: germline.
Comment: Not observed at significant frequency in large population cohorts (gnomAD); Has not been previously published as pathogenic or benign to our knowledge; Canonical splice site variant with an unclear effect on protein function; Located in the critical Globular C-terminal tail (PMID: 10939567); This variant is associated with the following publications: (PMID: 10939567)

All of Us Research Program, National Institutes of Health
Classification: Uncertain significance for Primary dilated cardiomyopathy. Last evaluated: 2023-06-26. Review status: criteria provided, single submitter. Criteria: ACMG Guidelines, 2015. Collection method: clinical testing. Allele origin: germline. Inheritance: Autosomal dominant inheritance. Observed: 1 variant allele, 1 heterozygote.
Comment: This variant causes a G to T nucleotide substitution at the -1 position of intron 11 of the LMNA gene. Splice site prediction tools predict that this variant may have a significant impact on RNA splicing. Although this prediction has not been confirmed in published RNA studies, this variant is expected to result in a frameshift in the penultimate exon of the lamin A protein and addition of 46 new amino acids before introducing a stop codon. This would result in a protein product that is 2 amino acids longer than the normal protein product. To our knowledge, functional studies have not been reported for this variant. This variant has not been reported in individuals affected with LMNA-related disorders in the literature. This variant has not been identified in the general population by the Genome Aggregation Database (gnomAD). The available evidence is insufficient to determine the role of this variant in disease conclusively. Therefore, this variant is classified as a Variant of Uncertain Significance.

This study involves interpretation of variants in research participants for the purpose of population health screening. Participant phenotype was not available at the time of variant classification. Additional details can be found in publication PMID: 35346344, PMCID: PMC8962531

Color Diagnostics, LLC DBA Color Health
Classification: Uncertain significance for Cardiomyopathy. Last evaluated: 2023-06-14. Review status: criteria provided, single submitter. Criteria: ACMG Guidelines, 2015. Collection method: clinical testing. Allele origin: germline.
Comment: This variant causes a G to T nucleotide substitution at the -1 position of intron 11 of the LMNA gene. Splice site prediction tools predict that this variant may have a significant impact on RNA splicing. Although this prediction has not been confirmed in published RNA studies, this variant is expected to result in a frameshift in the penultimate exon of the lamin A protein and addition of 46 new amino acids before introducing a stop codon. This would result in a protein product that is 2 amino acids longer than the normal protein product. To our knowledge, functional studies have not been reported for this variant. This variant has not been reported in individuals affected with LMNA-related disorders in the literature. This variant has not been identified in the general population by the Genome Aggregation Database (gnomAD). The available evidence is insufficient to determine the role of this variant in disease conclusively. Therefore, this variant is classified as a Variant of Uncertain Significance.

Labcorp Genetics (formerly Invitae), Labcorp
Classification: Uncertain significance for Charcot-Marie-Tooth disease type 2. Last evaluated: 2023-05-11. Review status: criteria provided, single submitter. Criteria: Invitae Variant Classification Sherloc (09022015). Collection method: clinical testing. Allele origin: germline.
Comment: In summary, the available evidence is currently insufficient to determine the role of this variant in disease. Therefore, it has been classified as a Variant of Uncertain Significance. Variants that disrupt the consensus splice site are a relatively common cause of aberrant splicing (PMID: 17576681, 9536098). Algorithms developed to predict the effect of sequence changes on RNA splicing suggest that this variant may disrupt the consensus splice site. ClinVar contains an entry for this variant (Variation ID: 403042). This variant has not been reported in the literature in individuals affected with LMNA-related conditions. This variant is not present in population databases (gnomAD no frequency). This sequence change affects an acceptor splice site in intron 11 of the LMNA gene. While this variant is not anticipated to result in nonsense mediated decay, it likely alters RNA splicing and results in a disrupted protein product.

Laboratory for Molecular Medicine, Mass General Brigham Personalized Medicine
Classification: Uncertain significance. Last evaluated: 2016-08-12. Review status: criteria provided, single submitter. Criteria: LMM Criteria. Collection method: clinical testing. Allele origin: germline.
Comment: Variant identified in a genome or exome case(s) and assessed due to predicted null impact of the variant or pathogenic assertions in the literature or databases. Disclaimer: This variant has not undergone full assessment. The following are preliminary notes: Predicted to impact splicing of last exon, not previously reported

Literature cited by the submitters: PubMed 17576681 (cited by Labcorp Genetics (formerly Invitae), Labcorp); PubMed 9536098 (cited by Labcorp Genetics (formerly Invitae), Labcorp).